The following is an entry in ClinVar:

ClinVar aggregate classification (germline): Uncertain significance (1 of 4 stars; one submission).

Submission:

Labcorp Genetics (formerly Invitae), Labcorp
Classification: Uncertain significance. Last evaluated: 2022-04-28. Review status: criteria provided, single submitter. Criteria: Invitae Variant Classification Sherloc (09022015). Collection method: clinical testing. Allele origin: germline.
Comment: Algorithms developed to predict the effect of missense changes on protein structure and function (SIFT, PolyPhen-2, Align-GVGD) all suggest that this variant is likely to be tolerated. In summary, the available evidence is currently insufficient to determine the role of this variant in disease. Therefore, it has been classified as a Variant of Uncertain Significance. This variant has not been reported in the literature in individuals affected with PODXL-related conditions. This sequence change replaces threonine, which is neutral and polar, with alanine, which is neutral and non-polar, at codon 291 of the PODXL protein (p.Thr291Ala). This variant is not present in population databases (gnomAD no frequency).

NM_001018111.3(PODXL):c.967A>G (p.Thr323Ala)

Gene: PODXL (podocalyxin like; minus strand). Cytogenetic location: 7q32.3.
Variant type: single nucleotide variant.
Coding change: c.967A>G on transcript NM_001018111.3 (MANE Select); coding-DNA position 967, A replaced by G.
Protein change: p.Thr323Ala; replaces threonine 323 with alanine.
Molecular consequence: missense variant.
Genome position (GRCh38, 1-based): chr7:131,509,421, T>C on the plus strand (A>G on the coding strand, the complement: PODXL is on the minus strand). VCF-style: chr7-131509421-T-C. GRCh37 (hg19) VCF-style: chr7-131194180-T-C.
Other names: c.871A>G, p.Thr291Ala (NM_005397.4); short protein forms T323A, T291A.
Identifiers: ClinVar variation 1936312 (VCV001936312.5), dbSNP rs2485275253, ClinGen allele CA369300322.